The following is an entry in ClinVar:

ClinVar aggregate classification (germline): Likely benign. Review status: criteria provided, multiple submitters, no conflicts (2 of 4 stars). 2 submissions from 2 submitters: Likely benign (2). Last evaluated 2025-02-01.

gnomAD v4.1: 275 of 1,547,690 alleles (0.018%); highest among the groups gnomAD compares: Middle Eastern, 0.054%; no homozygotes.

Submissions (2):

CeGaT Center for Human Genetics Tuebingen
Classification: Likely benign. Last evaluated: 2025-02-01. Review status: criteria provided, single submitter. Criteria: CeGaT Center For Human Genetics Tuebingen Variant Classification Criteria Version 2. Collection method: clinical testing. Allele origin: germline. Affected: yes. Observed: 1 variant allele.
Comment: ADAMTSL2: BP4, BP7

Blueprint Genetics
Classification: Likely benign. Last evaluated: 2024-10-08. Review status: criteria provided, single submitter. Criteria: ACMG Guidelines, 2015. Collection method: clinical testing. Allele origin: germline.

NM_014694.4(ADAMTSL2):c.1167G>A (p.Pro389=)

Gene: ADAMTSL2 (ADAMTS like 2; plus strand). Cytogenetic location: 9q34.2.
Variant type: single nucleotide variant.
Coding change: c.1167G>A on transcript NM_014694.4 (MANE Select); coding-DNA position 1167, G replaced by A.
Protein change: p.Pro389=; no amino-acid change (proline 389 retained).
Molecular consequence: synonymous variant.
Genome position (GRCh38, 1-based): chr9:133,554,584, G>A. VCF-style: chr9-133554584-G-A. GRCh37 (hg19) VCF-style: chr9-136419706-G-A.
Other names: c.1167G>A, p.Pro389= (NM_001145320.2).
Identifiers: ClinVar variation 3771117 (VCV003771117.14).